The following is an entry in ClinVar:

ClinVar aggregate classification (germline): Uncertain significance (1 of 4 stars; one submission).

Conditions:
Familial episodic pain syndrome with predominantly lower limb involvement. Also called: Episodic pain syndrome, familial, 3. Identifiers: Orphanet 391384, Orphanet 391392, MedGen C3809899, MONDO:0014247, OMIM 615552.
Hereditary sensory and autonomic neuropathy type 7. Also called: Neuropathy, hereditary sensory and autonomic, type VII; HSAN VII. Identifiers: Orphanet 391397, MedGen C3809882, MONDO:0014244, OMIM 615548.

Submission:

Labcorp Genetics (formerly Invitae), Labcorp
Classification: Uncertain significance for Familial episodic pain syndrome with predominantly lower limb involvement; Hereditary sensory and autonomic neuropathy type 7. Last evaluated: 2022-05-18. Review status: criteria provided, single submitter. Criteria: Invitae Variant Classification Sherloc (09022015). Collection method: clinical testing. Allele origin: germline.
Comment: In summary, the available evidence is currently insufficient to determine the role of this variant in disease. Therefore, it has been classified as a Variant of Uncertain Significance. Algorithms developed to predict the effect of sequence changes on RNA splicing suggest that this variant may disrupt the consensus splice site. This variant has not been reported in the literature in individuals affected with SCN11A-related conditions. This variant is not present in population databases (gnomAD no frequency). This sequence change affects a donor splice site in intron 20 of the SCN11A gene. It is expected to disrupt RNA splicing. Variants that disrupt the donor or acceptor splice site typically lead to a loss of protein function (PMID: 16199547), however the current clinical and genetic evidence is not sufficient to establish whether loss-of-function variants in SCN11A cause disease.

Literature cited by the submitters: PubMed 16199547 (cited by Labcorp Genetics (formerly Invitae), Labcorp).

NM_001349253.2(SCN11A):c.3495+1G>A

Gene: SCN11A (sodium voltage-gated channel alpha subunit 11; minus strand). Cytogenetic location: 3p22.2.
Variant type: single nucleotide variant.
Coding change: c.3495+1G>A on transcript NM_001349253.2 (MANE Select); the canonical splice donor site of the intron after coding-DNA position 3495, G replaced by A.
Molecular consequence: splice donor variant.
Genome position (GRCh38, 1-based): chr3:38,872,192, C>T on the plus strand (G>A on the coding strand, the complement: SCN11A is on the minus strand). VCF-style: chr3-38872192-C-T. GRCh37 (hg19) VCF-style: chr3-38913683-C-T.
Other names: c.3495+1G>A (NM_014139.3).
Identifiers: ClinVar variation 1996169 (VCV001996169.5), dbSNP rs2471032440, ClinGen allele CA352171244.